The following is an entry in ClinVar:

ClinVar aggregate classification (germline): Uncertain significance. Review status: criteria provided, multiple submitters, no conflicts (2 of 4 stars). 2 submissions from 2 submitters: Uncertain significance (2). Last evaluated 2025-09-12.

Conditions:
LRRK2-related disorder. Also called: LRRK2-related condition.
Inborn genetic diseases. Identifiers: MedGen C0950123, MeSH D030342.

Allele frequency attached by ClinVar (database versions not stated): gnomAD exomes below 0.00001; gnomAD 0.00001; TOPMed 0.00001.
gnomAD v4.1: 5 of 1,613,434 alleles (0.00031%); highest among the groups gnomAD compares: South Asian, 0.0011%; no homozygotes.

Submissions (2):

PreventionGenetics, part of Exact Sciences
Classification: Uncertain significance for LRRK2-related condition. Last evaluated: 2025-09-12. Review status: criteria provided, single submitter. Criteria: ACMG Guidelines, 2015. Collection method: clinical testing. Allele origin: germline.
Comment: The LRRK2 c.3882A>G variant is predicted to result in the amino acid substitution p.Ile1294Met. To our knowledge, this variant has not been reported in the literature. This variant is reported in 0.0033% of alleles in individuals of South Asian descent in gnomAD. At this time, the clinical significance of this variant is uncertain due to the absence of conclusive functional and genetic evidence.

Ambry Genetics
Classification: Uncertain significance for Inborn genetic diseases. Last evaluated: 2025-04-20. Review status: criteria provided, single submitter. Criteria: Ambry Variant Classification Scheme 2023. Collection method: clinical testing. Allele origin: germline.

NM_198578.4(LRRK2):c.3882A>G (p.Ile1294Met)

Gene: LRRK2 (leucine rich repeat kinase 2; plus strand). Cytogenetic location: 12q12.
Variant type: single nucleotide variant.
Coding change: c.3882A>G on transcript NM_198578.4 (MANE Select); coding-DNA position 3882, A replaced by G.
Protein change: p.Ile1294Met; replaces isoleucine 1294 with methionine.
Molecular consequence: missense variant.
Genome position (GRCh38, 1-based): chr12:40,305,889, A>G. VCF-style: chr12-40305889-A-G. GRCh37 (hg19) VCF-style: chr12-40699691-A-G.
Other names: short protein forms I1294M.
Identifiers: ClinVar variation 3229633 (VCV003229633.3), dbSNP rs1456225254, ClinGen allele CA384417259.